The following is an entry in ClinVar:

ClinVar aggregate classification (germline): Uncertain significance (1 of 4 stars; one submission).

Conditions:
Primary ciliary dyskinesia 32. Also called: CILIARY DYSKINESIA, PRIMARY, 32, WITHOUT SITUS INVERSUS. Identifiers: Orphanet 244, MedGen C4225311, MONDO:0014657, OMIM 616481.

Allele frequency attached by ClinVar (database versions not stated): gnomAD exomes 0.00001; TOPMed 0.00001.
gnomAD v4.1: 15 of 1,613,898 alleles (0.00093%); highest among the groups gnomAD compares: Non-Finnish European, 0.0013%; no homozygotes.

Submission:

Labcorp Genetics (formerly Invitae), Labcorp
Classification: Uncertain significance for Primary ciliary dyskinesia 32. Last evaluated: 2022-06-14. Review status: criteria provided, single submitter. Criteria: Invitae Variant Classification Sherloc (09022015). Collection method: clinical testing. Allele origin: germline.
Comment: This sequence change replaces tyrosine, which is neutral and polar, with cysteine, which is neutral and slightly polar, at codon 471 of the RSPH3 protein (p.Tyr471Cys). This variant is present in population databases (no rsID available, gnomAD 0.0009%). This variant has not been reported in the literature in individuals affected with RSPH3-related conditions. Algorithms developed to predict the effect of missense changes on protein structure and function are either unavailable or do not agree on the potential impact of this missense change (SIFT: "Deleterious"; PolyPhen-2: "Probably Damaging"; Align-GVGD: "Class C0"). In summary, the available evidence is currently insufficient to determine the role of this variant in disease. Therefore, it has been classified as a Variant of Uncertain Significance.

NM_031924.8(RSPH3):c.986A>G (p.Tyr329Cys)

Gene: RSPH3 (radial spoke head 3; minus strand). Cytogenetic location: 6q25.3.
Variant type: single nucleotide variant.
Coding change: c.986A>G on transcript NM_031924.8 (MANE Select); coding-DNA position 986, A replaced by G.
Protein change: p.Tyr329Cys; replaces tyrosine 329 with cysteine.
Molecular consequence: missense variant. On other transcripts: non-coding transcript variant (1).
Genome position (GRCh38, 1-based): chr6:158,977,809, T>C on the plus strand (A>G on the coding strand, the complement: RSPH3 is on the minus strand). VCF-style: chr6-158977809-T-C. GRCh37 (hg19) VCF-style: chr6-159398841-T-C.
Other names: c.1124A>G, p.Tyr375Cys (NM_001346418.1); short protein forms Y329C, Y375C.
Identifiers: ClinVar variation 1984933 (VCV001984933.4), dbSNP rs1293078263, ClinGen allele CA366279086.